The following is an entry in ClinVar:

NM_006445.4(PRPF8):c.4946+3_4946+6del

Gene: PRPF8 (pre-mRNA processing factor 8; minus strand). Cytogenetic location: 17p13.3.
Variant type: Microsatellite.
Coding change: c.4946+3_4946+6del on transcript NM_006445.4 (MANE Select); bases 3 to 6 of the intron after coding-DNA position 4946, 4 bases deleted (AAGT; older notation c.4946+3_4946+6delAAGT).
Molecular consequence: splice donor variant.
Genome position (GRCh38, 1-based): chr17:1,659,835-1,659,838, ACTT deleted on the plus strand (AAGT on the coding strand, the reverse complement: PRPF8 is on the minus strand); deleting any 4 consecutive bases within chr17:1,659,835-1,659,842 gives the same sequence; the c. name uses the placement nearest the transcript's 3' end. VCF-style (leftmost placement, unchanged base first): chr17-1659834-CACTT-C. GRCh37 (hg19) VCF-style: chr17-1563128-CACTT-C.
Identifiers: ClinVar variation 2573773 (VCV002573773.1), dbSNP rs2543730378, ClinGen allele CA2573332863.
Genomic context (GRCh38, chr17:1,659,834, plus strand): 5'-GCAGGGCTAGAAGAACAGGAAAACGAAAGTGTCCTGGCTGCCTAGGGCTGGGTCCTGAGG[CACTT>C]ACTTGGAGTCAGCCAGCAATGAGGGCCGGGAGACATTCCACTTATAGGAGGCAAAGAGCA-3'

ClinVar aggregate classification (germline): Uncertain significance (1 of 4 stars; one submission).

Submission:

GeneDx
Classification: Uncertain significance. Last evaluated: 2023-01-19. Review status: criteria provided, single submitter. Criteria: GeneDx Variant Classification Process June 2021. Collection method: clinical testing. Allele origin: germline. Affected: yes.
Comment: Canonical splice site variant in a gene or region of a gene for which loss of function is not a well-established mechanism of disease; Not observed at significant frequency in large population cohorts (gnomAD); Has not been previously published as pathogenic or benign to our knowledge